The following is an entry in ClinVar:

ClinVar aggregate classification (germline): Uncertain significance (1 of 4 stars; one submission).

Conditions:
Immunodeficiency 39 (IMD39). Identifiers: Orphanet 574918, MedGen C4225358, MONDO:0014597, OMIM 616345.

gnomAD v4.1: 19 of 1,610,808 alleles (0.0012%); highest among the groups gnomAD compares: Non-Finnish European, 0.0014%; no homozygotes.

Submission:

Labcorp Genetics (formerly Invitae), Labcorp
Classification: Uncertain significance for Immunodeficiency 39. Last evaluated: 2025-10-20. Review status: criteria provided, single submitter. Criteria: Invitae Variant Classification Sherloc (09022015). Collection method: clinical testing. Allele origin: germline.
Comment: This sequence change replaces arginine, which is basic and polar, with glutamine, which is neutral and polar, at codon 375 of the IRF7 protein (p.Arg375Gln). This variant is present in population databases (rs760800493, gnomAD 0.003%). This variant has not been reported in the literature in individuals affected with IRF7-related conditions. Invitae Evidence Modeling of protein sequence and biophysical properties (such as structural, functional, and spatial information, amino acid conservation, physicochemical variation, residue mobility, and thermodynamic stability) indicates that this missense variant is not expected to disrupt IRF7 protein function with a negative predictive value of 80%. In summary, the available evidence is currently insufficient to determine the role of this variant in disease. Therefore, it has been classified as a Variant of Uncertain Significance.

NM_001572.5(IRF7):c.1085G>A (p.Arg362Gln)

Gene: IRF7 (interferon regulatory factor 7; minus strand). Cytogenetic location: 11p15.5.
Variant type: single nucleotide variant.
Coding change: c.1085G>A on transcript NM_001572.5 (MANE Select); coding-DNA position 1085, G replaced by A.
Protein change: p.Arg362Gln; replaces arginine 362 with glutamine.
Molecular consequence: missense variant.
Genome position (GRCh38, 1-based): chr11:613,358, C>T on the plus strand (G>A on the coding strand, the complement: IRF7 is on the minus strand). VCF-style: chr11-613358-C-T. GRCh37 (hg19) VCF-style: chr11-613358-C-T.
Other names: c.1121G>A, p.Arg374Gln (NM_001440440.1); c.1082G>A, p.Arg361Gln (NM_001440442.1); c.1037G>A, p.Arg346Gln (NM_001440444.1); c.995G>A, p.Arg332Gln (NM_001440445.1); c.713G>A, p.Arg238Gln (NM_001440446.1); c.998G>A, p.Arg333Gln (NM_004029.4); c.1124G>A, p.Arg375Gln (NM_004031.4); short protein forms R332Q, R333Q, R361Q, R362Q, R374Q, R238Q, R346Q, R375Q.
Identifiers: ClinVar variation 4702041 (VCV004702041.1).